The following is an entry in ClinVar:

NM_005228.5(EGFR):c.1992C>T (p.Ile664=)

Gene: EGFR (epidermal growth factor receptor; plus strand). Cytogenetic location: 7p11.2.
Variant type: single nucleotide variant.
Coding change: c.1992C>T on transcript NM_005228.5 (MANE Select); coding-DNA position 1992, C replaced by T.
Protein change: p.Ile664=; no amino-acid change (isoleucine 664 retained).
Molecular consequence: synonymous variant.
Genome position (GRCh38, 1-based): chr7:55,173,055, C>T. VCF-style: chr7-55173055-C-T. GRCh37 (hg19) VCF-style: chr7-55240748-C-T.
Other names: c.1992C>T (NM_005228.3, NM_005228.4); c.1857C>T, p.Ile619= (NM_001346897.2, NM_001346899.2); c.1992C>T, p.Ile664= (NM_001346898.2); c.1833C>T, p.Ile611= (NM_001346900.2); c.1191C>T, p.Ile397= (NM_001346941.2).
Identifiers: ClinVar variation 1146803 (VCV001146803.11), dbSNP rs200855539, ClinGen allele CA4265930.

ClinVar aggregate classification (germline): Likely benign. Review status: criteria provided, multiple submitters, no conflicts (2 of 4 stars). 3 submissions from 3 submitters: Likely benign (3). Last evaluated 2025-10-30.

Conditions:
EGFR-related lung cancer (EGFR). Identifiers: MedGen CN130014.
EGFR-related disorder. Also called: EGFR-related condition.
Hereditary cancer-predisposing syndrome. Also called: Tumor predisposition; Hereditary Cancer Syndrome; Neoplastic Syndromes, Hereditary; Hereditary neoplastic syndrome. Identifiers: Orphanet 140162, MedGen C0027672, MeSH D009386, MONDO:0015356.

Allele frequency attached by ClinVar (database versions not stated): ExAC 0.00001; gnomAD 0.00001 and 0.00003; gnomAD exomes 0.00002; TOPMed 0.00004; ESP Exome Variant Server 0.00008; 1000 Genomes Project 30x 0.00016; 1000 Genomes Project 0.00020.
gnomAD v4.1: 19 of 1,613,794 alleles (0.0012%); highest among the groups gnomAD compares: Middle Eastern, 0.049%; no homozygotes.

Submissions (3):

Labcorp Genetics (formerly Invitae), Labcorp
Classification: Likely benign for EGFR-related lung cancer. Last evaluated: 2025-10-30. Review status: criteria provided, single submitter. Criteria: Invitae Variant Classification Sherloc (09022015). Collection method: clinical testing. Allele origin: germline.

PreventionGenetics, part of Exact Sciences
Classification: Likely benign for EGFR-related condition. Last evaluated: 2025-09-07. Review status: criteria provided, single submitter. Criteria: ACMG Guidelines, 2015. Collection method: clinical testing. Allele origin: germline.
Comment: This variant is classified as likely benign based on ACMG/AMP sequence variant interpretation guidelines (Richards et al. 2015 PMID: 25741868, with internal and published modifications).

Ambry Genetics
Classification: Likely benign for Hereditary cancer-predisposing syndrome. Last evaluated: 2024-08-09. Review status: criteria provided, single submitter. Criteria: Ambry Variant Classification Scheme 2023. Collection method: clinical testing. Allele origin: germline.